The following is an entry in ClinVar:

NM_004082.5(DCTN1):c.3075G>A (p.Gln1025=)

Gene: DCTN1 (dynactin subunit 1; minus strand). Cytogenetic location: 2p13.1.
Variant type: single nucleotide variant.
Coding change: c.3075G>A on transcript NM_004082.5 (MANE Select); coding-DNA position 3075, G replaced by A.
Protein change: p.Gln1025=; no amino-acid change (glutamine 1025 retained).
Molecular consequence: synonymous variant. On other transcripts: non-coding transcript variant (1).
Genome position (GRCh38, 1-based): chr2:74,365,196, C>T on the plus strand (G>A on the coding strand, the complement: DCTN1 is on the minus strand). VCF-style: chr2-74365196-C-T. GRCh37 (hg19) VCF-style: chr2-74592323-C-T.
Other names: c.3015G>A, p.Gln1005= (NM_001135040.3); c.2673G>A, p.Gln891= (NM_001135041.3, NM_023019.4); c.2964G>A, p.Gln988= (NM_001190836.2); c.3054G>A, p.Gln1018= (NM_001190837.2); c.3024G>A, p.Gln1008= (NM_001378991.1); c.3006G>A, p.Gln1002= (NM_001378992.1).
Identifiers: ClinVar variation 757026 (VCV000757026.25), dbSNP rs367898436, ClinGen allele CA1721631.

ClinVar aggregate classification (germline): Likely benign. Review status: criteria provided, multiple submitters, no conflicts (2 of 4 stars). 2 submissions from 2 submitters: Likely benign (2). Last evaluated 2024-10-01.

Conditions:
Amyotrophic lateral sclerosis type 1 (ALS1). Also called: AMYOTROPHIC LATERAL SCLEROSIS 1, FAMILIAL. Identifiers: Orphanet 803, MedGen C1862939, MONDO:0007103, OMIM 105400.
Neuronopathy, distal hereditary motor, type 7B. Also called: Distal Hereditary Motor Neuronopathy Type 7B (dHMN7B); NEURONOPATHY, DISTAL HEREDITARY MOTOR, AUTOSOMAL DOMINANT 14; NEURONOPATHY, DISTAL HEREDITARY MOTOR, HARDING TYPE VIIB; NEUROPATHY, DISTAL HEREDITARY MOTOR, HARDING TYPE VIIB; NEUROPATHY, DISTAL HEREDITARY MOTOR, WITH VOCAL CORD PARALYSIS, HARDING TYPE VIIB; HMN VIIB. Identifiers: Orphanet 139589, MedGen C1843315, MONDO:0011879, OMIM 607641.
Perry syndrome. Also called: PARKINSONISM WITH ALVEOLAR HYPOVENTILATION AND MENTAL DEPRESSION. Identifiers: Orphanet 178509, MedGen C1868594, MONDO:0008201, OMIM 168605.

Allele frequency attached by ClinVar (database versions not stated): gnomAD exomes 0.00001; ExAC 0.00002; gnomAD 0.00004 and 0.00005; TOPMed 0.00004; ESP Exome Variant Server 0.00008.

Submissions (2):

CeGaT Center for Human Genetics Tuebingen
Classification: Likely benign. Last evaluated: 2024-10-01. Review status: criteria provided, single submitter. Criteria: CeGaT Center For Human Genetics Tuebingen Variant Classification Criteria Version 2. Collection method: clinical testing. Allele origin: germline. Affected: yes. Observed: 1 variant allele.
Comment: DCTN1: BP4, BP7

Labcorp Genetics (formerly Invitae), Labcorp
Classification: Likely benign for Amyotrophic lateral sclerosis type 1; Neuronopathy, distal hereditary motor, type 7B; Perry syndrome. Last evaluated: 2024-09-27. Review status: criteria provided, single submitter. Criteria: Invitae Variant Classification Sherloc (09022015). Collection method: clinical testing. Allele origin: germline.